The following is an entry in ClinVar:

NM_014714.4(IFT140):c.4126G>A (p.Gly1376Arg)

Gene: IFT140 (intraflagellar transport 140; minus strand). Cytogenetic location: 16p13.3.
Variant type: single nucleotide variant.
Coding change: c.4126G>A on transcript NM_014714.4 (MANE Select); coding-DNA position 4126, G replaced by A.
Protein change: p.Gly1376Arg; replaces glycine 1376 with arginine.
Molecular consequence: missense variant.
Genome position (GRCh38, 1-based): chr16:1,518,272, C>T on the plus strand (G>A on the coding strand, the complement: IFT140 is on the minus strand). VCF-style: chr16-1518272-C-T. GRCh37 (hg19) VCF-style: chr16-1568273-C-T.
Other names: short protein forms G1376R.
Identifiers: ClinVar variation 2054344 (VCV002054344.5), dbSNP rs149679045, ClinGen allele CA7812897.

ClinVar aggregate classification (germline): Uncertain significance. Review status: criteria provided, multiple submitters, no conflicts (2 of 4 stars). 2 submissions from 2 submitters: Uncertain significance (2). Last evaluated 2023-04-21.

Conditions:
Saldino-Mainzer syndrome (SRTD9). Also called: CONORENAL SYNDROME; short-rib thoracic dysplasia 9 with or without polydactyly; Renal dysplasia, retinal pigmentary dystrophy, cerebellar ataxia and skeletal dysplasia; SHORT-RIB THORACIC DYSPLASIA 9 WITHOUT POLYDACTYLY. Identifiers: Orphanet 140969, MedGen C1849437, MONDO:0009964, OMIM 266920.

Allele frequency attached by ClinVar (database versions not stated): ExAC 0.00001; TOPMed 0.00001; gnomAD 0.00003; ESP Exome Variant Server 0.00008.
gnomAD v4.1: 34 of 1,614,024 alleles (0.0021%); highest among the groups gnomAD compares: Non-Finnish European, 0.0025%; no homozygotes.

Submissions (2):

Blueprint Genetics
Classification: Uncertain significance. Last evaluated: 2023-04-21. Review status: criteria provided, single submitter. Criteria: ACMG Guidelines, 2015. Collection method: clinical testing. Allele origin: germline.

Labcorp Genetics (formerly Invitae), Labcorp
Classification: Uncertain significance for Saldino-Mainzer syndrome. Last evaluated: 2022-07-11. Review status: criteria provided, single submitter. Criteria: Invitae Variant Classification Sherloc (09022015). Collection method: clinical testing. Allele origin: germline.
Comment: In summary, the available evidence is currently insufficient to determine the role of this variant in disease. Therefore, it has been classified as a Variant of Uncertain Significance. Algorithms developed to predict the effect of missense changes on protein structure and function are either unavailable or do not agree on the potential impact of this missense change (SIFT: "Deleterious"; PolyPhen-2: "Probably Damaging"; Align-GVGD: "Class C0"). This variant has not been reported in the literature in individuals affected with IFT140-related conditions. This variant is present in population databases (rs149679045, gnomAD 0.003%). This sequence change replaces glycine, which is neutral and non-polar, with arginine, which is basic and polar, at codon 1376 of the IFT140 protein (p.Gly1376Arg).